The following is an entry in ClinVar:

ClinVar aggregate classification (germline): Uncertain significance. Review status: criteria provided, multiple submitters, no conflicts (2 of 4 stars). 3 submissions from 3 submitters: Uncertain significance (3). Last evaluated 2024-09-23.

Conditions:
Hereditary cancer-predisposing syndrome. Also called: Neoplastic Syndromes, Hereditary; Tumor predisposition; Hereditary Cancer Syndrome; Hereditary neoplastic syndrome. Identifiers: Orphanet 140162, MedGen C0027672, MeSH D009386, MONDO:0015356.
Cardiovascular phenotype. Identifiers: MedGen CN230736.
LZTR1-related schwannomatosis. Also called: Schwannomatosis-2, susceptibility to; Schwannomatosis 2. Identifiers: Orphanet 93921, MedGen C3810283, MONDO:0014299, OMIM 615670.

Allele frequency attached by ClinVar (database versions not stated): ESP Exome Variant Server 0.00008.
gnomAD v4.1: 5 of 1,613,846 alleles (0.00031%); highest among the groups gnomAD compares: African/African-American, 0.0013%; no homozygotes.

Submissions (3):

Labcorp Genetics (formerly Invitae), Labcorp
Classification: Uncertain significance. Last evaluated: 2024-09-23. Review status: criteria provided, single submitter. Criteria: Invitae Variant Classification Sherloc (09022015). Collection method: clinical testing. Allele origin: germline.
Comment: This sequence change replaces arginine, which is basic and polar, with tryptophan, which is neutral and slightly polar, at codon 355 of the LZTR1 protein (p.Arg355Trp). This variant is not present in population databases (gnomAD no frequency). This variant has not been reported in the literature in individuals affected with LZTR1-related conditions. ClinVar contains an entry for this variant (Variation ID: 1780987). Invitae Evidence Modeling of protein sequence and biophysical properties (such as structural, functional, and spatial information, amino acid conservation, physicochemical variation, residue mobility, and thermodynamic stability) indicates that this missense variant is not expected to disrupt LZTR1 protein function with a negative predictive value of 80%. In summary, the available evidence is currently insufficient to determine the role of this variant in disease. Therefore, it has been classified as a Variant of Uncertain Significance.

Baylor Genetics
Classification: Uncertain significance for LZTR1-related schwannomatosis. Last evaluated: 2023-10-24. Review status: criteria provided, single submitter. Criteria: ACMG Guidelines, 2015. Collection method: clinical testing. Allele origin: unknown.

Ambry Genetics
Classification: Uncertain significance for Cardiovascular phenotype; Hereditary cancer-predisposing syndrome. Last evaluated: 2021-04-26. Review status: criteria provided, single submitter. Criteria: Ambry Variant Classification Scheme 2023. Collection method: clinical testing. Allele origin: germline.
Comment: The p.R355W variant (also known as c.1063C>T), located in coding exon 10 of the LZTR1 gene, results from a C to T substitution at nucleotide position 1063. The arginine at codon 355 is replaced by tryptophan, an amino acid with dissimilar properties. This amino acid position is highly conserved in available vertebrate species. In addition, the in silico prediction for this alteration is inconclusive. Since supporting evidence is limited at this time, the clinical significance of this alteration remains unclear.

NM_006767.4(LZTR1):c.1063C>T (p.Arg355Trp)

Gene: LZTR1 (leucine zipper like post translational regulator 1; plus strand). Cytogenetic location: 22q11.21.
Variant type: single nucleotide variant.
Coding change: c.1063C>T on transcript NM_006767.4 (MANE Select); coding-DNA position 1063, C replaced by T.
Protein change: p.Arg355Trp; replaces arginine 355 with tryptophan.
Molecular consequence: missense variant.
Genome position (GRCh38, 1-based): chr22:20,992,283, C>T. VCF-style: chr22-20992283-C-T. GRCh37 (hg19) VCF-style: chr22-21346572-C-T.
Other names: short protein forms R355W.
Identifiers: ClinVar variation 1780987 (VCV001780987.4), dbSNP rs371593909, ClinGen allele CA322327888.